The following is an entry in ClinVar:

NM_005006.7(NDUFS1):c.29T>C (p.Leu10Ser)

Gene: NDUFS1 (NADH:ubiquinone oxidoreductase core subunit S1; minus strand). Cytogenetic location: 2q33.3.
Variant type: single nucleotide variant.
Coding change: c.29T>C on transcript NM_005006.7 (MANE Select); coding-DNA position 29, T replaced by C.
Protein change: p.Leu10Ser; replaces leucine 10 with serine.
Molecular consequence: missense variant. On other transcripts: 5 prime UTR variant (2).
Genome position (GRCh38, 1-based): chr2:206,153,650, A>G on the plus strand (T>C on the coding strand, the complement: NDUFS1 is on the minus strand). VCF-style: chr2-206153650-A-G. GRCh37 (hg19) VCF-style: chr2-207018374-A-G.
Other names: c.29T>C, p.Leu10Ser (NM_001199981.2); c.-28T>C (NM_001199982.2); c.-51T>C (NM_001199983.2); c.71T>C, p.Leu24Ser (NM_001199984.2); short protein forms L10S, L24S.
Identifiers: ClinVar variation 3602901 (VCV003602901.2).

ClinVar aggregate classification (germline): Uncertain significance (1 of 4 stars; one submission).

Submission:

GeneDx
Classification: Uncertain significance. Last evaluated: 2025-03-19. Review status: criteria provided, single submitter. Criteria: GeneDx Variant Classification Process June 2021. Collection method: clinical testing. Allele origin: germline.
Comment: Not observed at significant frequency in large population cohorts (gnomAD); In silico analysis indicates that this missense variant does not alter protein structure/function; Has not been previously published as pathogenic or benign to our knowledge